The following is an entry in ClinVar:

NM_153460.4(IL17RC):c.203C>G (p.Thr68Arg)

Gene: IL17RC (interleukin 17 receptor C; plus strand). Cytogenetic location: 3p25.3.
Variant type: single nucleotide variant.
Coding change: c.203C>G on transcript NM_153460.4 (MANE Select); coding-DNA position 203, C replaced by G.
Protein change: p.Thr68Arg; replaces threonine 68 with arginine.
Molecular consequence: missense variant. On other transcripts: non-coding transcript variant (1).
Genome position (GRCh38, 1-based): chr3:9,917,998, C>G. VCF-style: chr3-9917998-C-G. GRCh37 (hg19) VCF-style: chr3-9959682-C-G.
Other names: c.203C>G, p.Thr68Arg (NM_001203263.2, NM_001203264.2, NM_001203265.2 and 5 more transcripts); c.416C>G, p.Thr139Arg (NM_153461.4); short protein forms T139R, T68R.
Identifiers: ClinVar variation 2896260 (VCV002896260.3), dbSNP rs773096402, ClinGen allele CA2246769.

ClinVar aggregate classification (germline): Uncertain significance (1 of 4 stars; one submission).

Conditions:
Candidiasis, familial, 9 (CANDF9). Identifiers: Orphanet 1334, MedGen C4225324, MONDO:0014642, OMIM 616445.

Allele frequency attached by ClinVar (database versions not stated): gnomAD 0.00001; gnomAD exomes 0.00001; ExAC 0.00004.
gnomAD v4.1: 19 of 1,613,866 alleles (0.0012%); highest among the groups gnomAD compares: South Asian, 0.016%; no homozygotes.

Submission:

Labcorp Genetics (formerly Invitae), Labcorp
Classification: Uncertain significance for Candidiasis, familial, 9. Last evaluated: 2023-02-17. Review status: criteria provided, single submitter. Criteria: Invitae Variant Classification Sherloc (09022015). Collection method: clinical testing. Allele origin: germline.
Comment: This sequence change replaces threonine, which is neutral and polar, with arginine, which is basic and polar, at codon 139 of the IL17RC protein (p.Thr139Arg). This variant is present in population databases (rs773096402, gnomAD 0.01%). This variant has not been reported in the literature in individuals affected with IL17RC-related conditions. An algorithm developed to predict the effect of missense changes on protein structure and function (PolyPhen-2) suggests that this variant is likely to be disruptive. In summary, the available evidence is currently insufficient to determine the role of this variant in disease. Therefore, it has been classified as a Variant of Uncertain Significance.